The following is an entry in ClinVar:

ClinVar aggregate classification (germline): Uncertain significance (1 of 4 stars; one submission).

gnomAD v4.1: 2 of 1,613,968 alleles (0.00012%); highest among the groups gnomAD compares: East Asian, 0.0022%; no homozygotes.

Submission:

Labcorp Genetics (formerly Invitae), Labcorp
Classification: Uncertain significance. Last evaluated: 2025-03-29. Review status: criteria provided, single submitter. Criteria: Invitae Variant Classification Sherloc (09022015). Collection method: clinical testing. Allele origin: germline.
Comment: This sequence change replaces threonine, which is neutral and polar, with isoleucine, which is neutral and non-polar, at codon 927 of the SETD5 protein (p.Thr927Ile). This variant is present in population databases (rs527838238, gnomAD 0.007%). This variant has not been reported in the literature in individuals affected with SETD5-related conditions. Invitae Evidence Modeling of protein sequence and biophysical properties (such as structural, functional, and spatial information, amino acid conservation, physicochemical variation, residue mobility, and thermodynamic stability) indicates that this missense variant is not expected to disrupt SETD5 protein function with a negative predictive value of 80%. In summary, the available evidence is currently insufficient to determine the role of this variant in disease. Therefore, it has been classified as a Variant of Uncertain Significance.

NM_001080517.3(SETD5):c.2780C>T (p.Thr927Ile)

Gene: SETD5 (SET domain containing 5; plus strand). Cytogenetic location: 3p25.3.
Variant type: single nucleotide variant.
Coding change: c.2780C>T on transcript NM_001080517.3 (MANE Select); coding-DNA position 2780, C replaced by T.
Protein change: p.Thr927Ile; replaces threonine 927 with isoleucine.
Molecular consequence: missense variant.
Genome position (GRCh38, 1-based): chr3:9,470,514, C>T. VCF-style: chr3-9470514-C-T. GRCh37 (hg19) VCF-style: chr3-9512198-C-T.
Other names: c.2486C>T, p.Thr829Ile (NM_001292043.2, NM_001349451.2); c.2876C>T, p.Thr959Ile (NM_001437633.1); c.2894C>T, p.Thr965Ile (NM_001437635.1); c.2837C>T, p.Thr946Ile (NM_001437643.1); c.2819C>T, p.Thr940Ile (NM_001437701.1); short protein forms T946I, T829I, T959I, T965I, T927I, T940I.
Identifiers: ClinVar variation 4696323 (VCV004696323.1).